The following is an entry in ClinVar:

NM_020166.5(MCCC1):c.1994G>A (p.Gly665Glu)

Gene: MCCC1 (methylcrotonyl-CoA carboxylase subunit 1; minus strand). Cytogenetic location: 3q27.1.
Variant type: single nucleotide variant.
Coding change: c.1994G>A on transcript NM_020166.5 (MANE Select); coding-DNA position 1994, G replaced by A.
Protein change: p.Gly665Glu; replaces glycine 665 with glutamic acid.
Molecular consequence: missense variant. On other transcripts: non-coding transcript variant (2).
Genome position (GRCh38, 1-based): chr3:183,017,321, C>T on the plus strand (G>A on the coding strand, the complement: MCCC1 is on the minus strand). VCF-style: chr3-183017321-C-T. GRCh37 (hg19) VCF-style: chr3-182735109-C-T.
Other names: c.1643G>A, p.Gly548Glu (NM_001293273.2); c.1667G>A, p.Gly556Glu (NM_001363880.1); c.1994G>A (NM_020166.3); short protein forms G548E, G556E, G665E.
Identifiers: ClinVar variation 656337 (VCV000656337.9), dbSNP rs903196916, ClinGen allele CA88686946.

ClinVar aggregate classification (germline): Uncertain significance. Review status: criteria provided, multiple submitters, no conflicts (2 of 4 stars). 2 submissions from 2 submitters: Uncertain significance (2). Last evaluated 2024-09-20.

Conditions:
Inborn genetic diseases. Identifiers: MedGen C0950123, MeSH D030342.
3-methylcrotonyl-CoA carboxylase 1 deficiency (MCC1D). Also called: MCCD TYPE 1; METHYLCROTONYLGLYCINURIA TYPE I; MCC 1 deficiency; 3 Alpha methylcrotonylglycinuria 1. Identifiers: Orphanet 6, MedGen CN028786, MONDO:0008861, OMIM 210200.

Allele frequency attached by ClinVar (database versions not stated): gnomAD exomes below 0.00001; gnomAD 0.00001; TOPMed 0.00006.
gnomAD v4.1: 5 of 1,613,850 alleles (0.00031%); highest among the groups gnomAD compares: Admixed American, 0.005%; no homozygotes.

Submissions (2):

Ambry Genetics
Classification: Uncertain significance for Inborn genetic diseases. Last evaluated: 2024-09-20. Review status: criteria provided, single submitter. Criteria: Ambry Variant Classification Scheme 2023. Collection method: clinical testing. Allele origin: germline.

Labcorp Genetics (formerly Invitae), Labcorp
Classification: Uncertain significance for 3-methylcrotonyl-CoA carboxylase 1 deficiency. Last evaluated: 2021-09-01. Review status: criteria provided, single submitter. Criteria: Invitae Variant Classification Sherloc (09022015). Collection method: clinical testing. Allele origin: germline.
Comment: This sequence change replaces glycine with glutamic acid at codon 665 of the MCCC1 protein (p.Gly665Glu). The glycine residue is highly conserved and there is a moderate physicochemical difference between glycine and glutamic acid. This variant is not present in population databases (ExAC no frequency). This variant has not been reported in the literature in individuals affected with MCCC1-related conditions. Algorithms developed to predict the effect of missense changes on protein structure and function (SIFT, PolyPhen-2, Align-GVGD) all suggest that this variant is likely to be disruptive. In summary, the available evidence is currently insufficient to determine the role of this variant in disease. Therefore, it has been classified as a Variant of Uncertain Significance.